The following is an entry in ClinVar:

ClinVar aggregate classification (germline): Pathogenic. Review status: criteria provided, multiple submitters, no conflicts (2 of 4 stars). 5 submissions from 5 submitters: Pathogenic (4). 1 of the submissions does not count toward it. Last evaluated 2025-12-19.

Conditions:
Tyrosinemia type I (TYRSN1). Also called: HEPATORENAL TYROSINEMIA; Tyrosinemia type 1; Fumarylacetoacetase deficiency; Deficiency of fumarylacetoacetase; FAH DEFICIENCY. Identifiers: Orphanet 882, MedGen C0268490, MONDO:0010161, OMIM 276700. Disease mechanism: loss of function.

Allele frequency attached by ClinVar (database versions not stated): gnomAD 0.00002; TOPMed 0.00003; ESP Exome Variant Server 0.00023.
gnomAD v4.1: 8 of 1,614,106 alleles (0.0005%); highest among the groups gnomAD compares: African/African-American, 0.008%; no homozygotes.

Submissions (5):

Labcorp Genetics (formerly Invitae), Labcorp
Classification: Pathogenic for Tyrosinemia type I. Last evaluated: 2025-12-19. Review status: criteria provided, single submitter. Criteria: Invitae Variant Classification Sherloc (09022015). Collection method: clinical testing. Allele origin: germline.
Comment: This sequence change affects an acceptor splice site in intron 8 of the FAH gene. It is expected to disrupt RNA splicing. Variants that disrupt the donor or acceptor splice site typically lead to a loss of protein function (PMID: 16199547), and loss-of-function variants in FAH are known to be pathogenic (PMID: 9101289, 9633815). This variant is present in population databases (rs149052294, gnomAD 0.03%). Disruption of this splice site has been observed in individual(s) with tyrosinemia type I (PMID: 9633815, 12203990). ClinVar contains an entry for this variant (Variation ID: 558607). Algorithms developed to predict the effect of sequence changes on RNA splicing suggest that this variant may disrupt the consensus splice site. For these reasons, this variant has been classified as Pathogenic.

Natera, Inc.
Classification: Pathogenic for Tyrosinemia type I. Last evaluated: 2025-06-30. Review status: criteria provided, single submitter. Criteria: Natera Variant Classification Schema (03/2026). Collection method: clinical testing. Allele origin: germline.
Comment: The c.707-1G>A variant in FAH is a canonical splice acceptor site variant predicted to affect pre-mRNA splicing, which may result in an abnormal transcript and altered protein product. This variant is expected to result in nonsense mediated decay, truncation, or a dysfunctional protein product. This variant is rare in the general population with a frequency below the threshold expected for the associated phenotype(s). This variant has been observed in one or more individuals affected with the associated recessive disease, as either homozygous or compound heterozygous with a second variant (PMID: 12203990, 31574857). Given the available evidence, this variant is classified as Pathogenic.

Fulgent Genetics
Classification: Pathogenic for Tyrosinemia type I. Last evaluated: 2024-03-28. Review status: criteria provided, single submitter. Criteria: ACMG Guidelines, 2015. Collection method: clinical testing. Allele origin: germline.

Women's Health and Genetics/Laboratory Corporation of America, LabCorp
Classification: Pathogenic for Tyrosinemia type I. Last evaluated: 2022-08-22. Review status: criteria provided, single submitter. Criteria: LabCorp Variant Classification Summary - May 2015. Collection method: clinical testing. Allele origin: germline.
Comment: Variant summary: FAH c.707-1G>A is located in a canonical splice-site and is predicted to affect mRNA splicing resulting in a significantly altered protein due to either exon skipping, shortening, or inclusion of intronic material. Several computational tools predict a significant impact on normal splicing: Four predict the variant abolishes the canonical 3' splice acceptor site. However, these predictions have yet to be confirmed by functional studies. The variant allele was found at a frequency of 2.4e-05 in 251492 control chromosomes. c.707-1G>A has been reported in the literature as a homozygous genotype in multiple individuals affected with Tyrosinemia Type 1 (example, Arranz_2002, Couce_2011, Imtiaz_2011). These data indicate that the variant is very likely to be associated with disease. To our knowledge, no experimental evidence demonstrating an impact on protein function has been reported. Three clinical diagnostic laboratories have submitted clinical-significance assessments for this variant to ClinVar after 2014 without evidence for independent evaluation. All laboratories classified the variant as pathogenic. Based on the evidence outlined above, the variant was classified as pathogenic.

Counsyl
Classification: Pathogenic for Tyrosinemia type I. Last evaluated: 2018-06-05. Review status: no assertion criteria provided. Collection method: clinical testing. Allele origin: unknown. Not counted in ClinVar's aggregate classification.

Literature cited by the submitters: PubMed 16199547 (cited by Labcorp Genetics (formerly Invitae), Labcorp); PubMed 9101289 (cited by Labcorp Genetics (formerly Invitae), Labcorp); PubMed 9633815 (cited by Labcorp Genetics (formerly Invitae), Labcorp); PubMed 12203990 (cited by 4 submitters); PubMed 31574857 (cited by Natera, Inc.); PubMed 21764616 (cited by Women's Health and Genetics/Laboratory Corporation of America, LabCorp and Counsyl); PubMed 21752152 (cited by Women's Health and Genetics/Laboratory Corporation of America, LabCorp and Counsyl).

NM_000137.4(FAH):c.707-1G>A

Gene: FAH (fumarylacetoacetate hydrolase; plus strand). Cytogenetic location: 15q25.1.
Variant type: single nucleotide variant.
Coding change: c.707-1G>A on transcript NM_000137.4 (MANE Select); the canonical splice acceptor site of the intron before coding-DNA position 707, G replaced by A.
Molecular consequence: splice acceptor variant.
Genome position (GRCh38, 1-based): chr15:80,173,013, G>A. VCF-style: chr15-80173013-G-A. GRCh37 (hg19) VCF-style: chr15-80465355-G-A.
Other names: c.707-1G>A (NM_001374377.1, NM_001374380.1).
Identifiers: ClinVar variation 558607 (VCV000558607.18), dbSNP rs149052294, ClinGen allele CA7691322.